The following is an entry in ClinVar:

NM_020070.4(IGLL1):c.161C>A (p.Ala54Asp)

Gene: IGLL1 (immunoglobulin lambda like polypeptide 1; minus strand). Cytogenetic location: 22q11.23.
Variant type: single nucleotide variant.
Coding change: c.161C>A on transcript NM_020070.4 (MANE Select); coding-DNA position 161, C replaced by A.
Protein change: p.Ala54Asp; replaces alanine 54 with aspartic acid.
Molecular consequence: missense variant.
Genome position (GRCh38, 1-based): chr22:23,580,030, G>T on the plus strand (C>A on the coding strand, the complement: IGLL1 is on the minus strand). VCF-style: chr22-23580030-G-T. GRCh37 (hg19) VCF-style: chr22-23922217-G-T.
Other names: c.161C>A, p.Ala54Asp (NM_001369906.1, NM_152855.3); short protein forms A54D.
Identifiers: ClinVar variation 2861241 (VCV002861241.3), dbSNP rs1314451209, ClinGen allele CA410899370.

ClinVar aggregate classification (germline): Uncertain significance (1 of 4 stars; one submission).

Conditions:
Agammaglobulinemia 2, autosomal recessive (AGM2). Also called: AGAMMAGLOBULINEMIA, AUTOSOMAL RECESSIVE, DUE TO IGLL1 DEFECT. Identifiers: MedGen C3150750, MONDO:0013287, OMIM 613500.

Submission:

Labcorp Genetics (formerly Invitae), Labcorp
Classification: Uncertain significance for Agammaglobulinemia 2, autosomal recessive. Last evaluated: 2023-05-10. Review status: criteria provided, single submitter. Criteria: Invitae Variant Classification Sherloc (09022015). Collection method: clinical testing. Allele origin: germline.
Comment: In summary, the available evidence is currently insufficient to determine the role of this variant in disease. Therefore, it has been classified as a Variant of Uncertain Significance. An algorithm developed to predict the effect of missense changes on protein structure and function (PolyPhen-2) suggests that this variant is likely to be tolerated. This variant has not been reported in the literature in individuals affected with IGLL1-related conditions. This variant is not present in population databases (gnomAD no frequency). This sequence change replaces alanine, which is neutral and non-polar, with aspartic acid, which is acidic and polar, at codon 54 of the IGLL1 protein (p.Ala54Asp).